The following is an entry in ClinVar:

NM_015122.3(FCHO1):c.2167C>T (p.Arg723Cys)

Gene: FCHO1 (FCH and mu domain containing endocytic adaptor 1; plus strand). Cytogenetic location: 19p13.11.
Variant type: single nucleotide variant.
Coding change: c.2167C>T on transcript NM_015122.3 (MANE Select); coding-DNA position 2167, C replaced by T.
Protein change: p.Arg723Cys; replaces arginine 723 with cysteine.
Molecular consequence: missense variant. On other transcripts: non-coding transcript variant (35), intron variant (2).
Genome position (GRCh38, 1-based): chr19:17,784,176, C>T. VCF-style: chr19-17784176-C-T. GRCh37 (hg19) VCF-style: chr19-17894985-C-T.
Other names: c.2167C>T, p.Arg723Cys (NM_001161357.2, NM_001161358.2, NM_001384370.1 and 13 more transcripts); c.2017C>T, p.Arg673Cys (NM_001161359.2, NM_001384384.1, NM_001384385.1 and 1 more transcripts); c.2128C>T, p.Arg710Cys (NM_001384388.1, NM_001384389.1); c.2092C>T, p.Arg698Cys (NM_001384390.1); c.2050C>T, p.Arg684Cys (NM_001384392.1, NM_001384393.1, NM_001384394.1 and 1 more transcripts); c.1891C>T, p.Arg631Cys (NM_001384396.1, NM_001384397.1, NM_001384398.1 and 5 more transcripts); c.1846C>T, p.Arg616Cys (NM_001384403.1); c.1741C>T, p.Arg581Cys (NM_001384406.1); and 3 more; short protein forms R581C, R673C, R684C, R723C, R631C, R698C, R710C, R616C.
Identifiers: ClinVar variation 1414426 (VCV001414426.4), dbSNP rs763392437, ClinGen allele CA9300778.
Genomic context (GRCh38, chr19:17,784,176, plus strand): 5'-AGTGACCCTGAGACCAAAGACTTCTGGCTCAACATGGCAGCTCTGACCGAAGCCCTGCAG[C>T]GCCAGGCAGAGCAGAACCCCACTGCCTCCTACTACAACGTGGTGCTGCTGCGATACCAGG-3'
Protein context (NP_055937.1, residues 713-733): NMAALTEALQ[Arg723Cys]QAEQNPTASY

ClinVar aggregate classification (germline): Uncertain significance. Review status: criteria provided, multiple submitters, no conflicts (2 of 4 stars). 2 submissions from 2 submitters: Uncertain significance (2). Last evaluated 2024-04-17.

Allele frequency attached by ClinVar (database versions not stated): gnomAD 0.00002; TOPMed 0.00003.
gnomAD v4.1: 44 of 1,613,846 alleles (0.0027%); highest among the groups gnomAD compares: Middle Eastern, 0.017%; no homozygotes.

Submissions (2):

Ambry Genetics
Classification: Uncertain significance. Last evaluated: 2024-04-17. Review status: criteria provided, single submitter. Criteria: Ambry Variant Classification Scheme 2023. Collection method: clinical testing. Allele origin: germline.

Labcorp Genetics (formerly Invitae), Labcorp
Classification: Uncertain significance. Last evaluated: 2022-09-15. Review status: criteria provided, single submitter. Criteria: Invitae Variant Classification Sherloc (09022015). Collection method: clinical testing. Allele origin: germline.
Comment: This sequence change replaces arginine, which is basic and polar, with cysteine, which is neutral and slightly polar, at codon 723 of the FCHO1 protein (p.Arg723Cys). This variant is present in population databases (rs763392437, gnomAD 0.02%). This variant has not been reported in the literature in individuals affected with FCHO1-related conditions. ClinVar contains an entry for this variant (Variation ID: 1414426). Algorithms developed to predict the effect of missense changes on protein structure and function are either unavailable or do not agree on the potential impact of this missense change (SIFT: "Deleterious"; PolyPhen-2: "Possibly Damaging"; Align-GVGD: "Class C0"). In summary, the available evidence is currently insufficient to determine the role of this variant in disease. Therefore, it has been classified as a Variant of Uncertain Significance.